The following is an entry in ClinVar:

ClinVar aggregate classification (germline): Uncertain significance. Review status: criteria provided, multiple submitters, no conflicts (2 of 4 stars). 3 submissions from 3 submitters: Uncertain significance (3). Last evaluated 2025-05-14.

Conditions:
Inborn genetic diseases. Identifiers: MedGen C0950123, MeSH D030342.

Allele frequency attached by ClinVar (database versions not stated): TOPMed 0.00002; gnomAD exomes 0.00001 and 0.00002; ExAC 0.00004.
gnomAD v4.1: 33 of 1,603,364 alleles (0.0021%); highest among the groups gnomAD compares: African/African-American, 0.0054%; no homozygotes.

Submissions (3):

Ambry Genetics
Classification: Uncertain significance for Inborn genetic diseases. Last evaluated: 2025-05-14. Review status: criteria provided, single submitter. Criteria: Ambry Variant Classification Scheme 2023. Collection method: clinical testing. Allele origin: germline.

Labcorp Genetics (formerly Invitae), Labcorp
Classification: Uncertain significance. Last evaluated: 2023-04-24. Review status: criteria provided, single submitter. Criteria: Invitae Variant Classification Sherloc (09022015). Collection method: clinical testing. Allele origin: germline.
Comment: This variant has not been reported in the literature in individuals affected with MYO18B-related conditions. In summary, the available evidence is currently insufficient to determine the role of this variant in disease. Therefore, it has been classified as a Variant of Uncertain Significance. An algorithm developed to predict the effect of missense changes on protein structure and function (PolyPhen-2) suggests that this variant is likely to be disruptive. ClinVar contains an entry for this variant (Variation ID: 1314719). The frequency data for this variant in the population databases is considered unreliable, as metrics indicate poor data quality at this position in the gnomAD database. This sequence change replaces arginine with cysteine at codon 1736 of the MYO18B protein (p.Arg1736Cys). The arginine residue is weakly conserved and there is a large physicochemical difference between arginine and cysteine.

GeneDx
Classification: Uncertain significance. Last evaluated: 2021-04-23. Review status: criteria provided, single submitter. Criteria: GeneDx Variant Classification Process June 2021. Collection method: clinical testing. Allele origin: germline. Affected: yes.
Comment: In silico analysis supports that this missense variant has a deleterious effect on protein structure/function; Has not been previously published as pathogenic or benign to our knowledge

NM_032608.7(MYO18B):c.5206C>T (p.Arg1736Cys)

Gene: MYO18B (myosin XVIIIB; plus strand). Cytogenetic location: 22q12.1.
Variant type: single nucleotide variant.
Coding change: c.5206C>T on transcript NM_032608.7 (MANE Select); coding-DNA position 5206, C replaced by T.
Protein change: p.Arg1736Cys; replaces arginine 1736 with cysteine.
Molecular consequence: missense variant.
Genome position (GRCh38, 1-based): chr22:25,908,379, C>T. VCF-style: chr22-25908379-C-T. GRCh37 (hg19) VCF-style: chr22-26304346-C-T.
Other names: c.5209C>T, p.Arg1737Cys (NM_001318245.2); short protein forms R1736C, R1737C.
Identifiers: ClinVar variation 1314719 (VCV001314719.8), dbSNP rs773577709, ClinGen allele CA10161099.